The following is an entry in ClinVar:

NM_024665.7(TBL1XR1):c.680A>G (p.Asp227Gly)

Gene: TBL1XR1 (TBL1X/Y related 1; minus strand). Cytogenetic location: 3q26.32.
Variant type: single nucleotide variant.
Coding change: c.680A>G on transcript NM_024665.7 (MANE Select); coding-DNA position 680, A replaced by G.
Protein change: p.Asp227Gly; replaces aspartic acid 227 with glycine.
Molecular consequence: missense variant.
Genome position (GRCh38, 1-based): chr3:177,050,019, T>C on the plus strand (A>G on the coding strand, the complement: TBL1XR1 is on the minus strand). VCF-style: chr3-177050019-T-C. GRCh37 (hg19) VCF-style: chr3-176767807-T-C.
Other names: c.680A>G, p.Asp227Gly (NM_001321193.3, NM_001321194.3, NM_001374327.1 and 2 more transcripts); c.419A>G, p.Asp140Gly (NM_001321195.3, NM_001374330.1); short protein forms D140G, D227G.
Identifiers: ClinVar variation 2584514 (VCV002584514.1), dbSNP rs2473719921, ClinGen allele CA355552425.

ClinVar aggregate classification (germline): Likely pathogenic (1 of 4 stars; one submission).

Conditions:
TBL1XR1-related disorder. Also called: TBL1XR1-related condition; TBL1XR1-related disorders. Identifiers: MedGen CN382633, MONDO:1060313.

Submission:

Rady Children's Institute for Genomic Medicine, Rady Children's Hospital San Diego
Classification: Likely pathogenic for TBL1XR1-related disorders. Review status: criteria provided, single submitter. Criteria: ACMG Guidelines, 2015. Collection method: clinical testing. Allele origin: germline. Affected: yes.
Comment: This variant has not been previously reported or functionally characterized in the literature to our knowledge. It is absent from the gnomAD population database and thus is presumed to be rare. In silico tools used to predict the effect of this variant on protein function yield discordant results. Analysis of the parental samples was negative for the variant, indicating this variant likely occurred as a de novo event. Based on the available evidence, the c.680A>G (p.Asp227Gly) variant is classified as Likely Pathogenic.